The following is an entry in ClinVar:

NM_000094.4(COL7A1):c.7334C>T (p.Pro2445Leu)

Gene: COL7A1 (collagen type VII alpha 1 chain; minus strand). Cytogenetic location: 3p21.31.
Variant type: single nucleotide variant.
Coding change: c.7334C>T on transcript NM_000094.4 (MANE Select); coding-DNA position 7334, C replaced by T.
Protein change: p.Pro2445Leu; replaces proline 2445 with leucine.
Molecular consequence: missense variant.
Genome position (GRCh38, 1-based): chr3:48,570,649, G>A on the plus strand (C>T on the coding strand, the complement: COL7A1 is on the minus strand). VCF-style: chr3-48570649-G-A. GRCh37 (hg19) VCF-style: chr3-48608082-G-A.
Other names: short protein forms P2445L.
Identifiers: ClinVar variation 990822 (VCV000990822.4), dbSNP rs750113696, ClinGen allele CA2378567.

ClinVar aggregate classification (germline): Uncertain significance. Review status: criteria provided, multiple submitters, no conflicts (2 of 4 stars). 3 submissions from 3 submitters: Uncertain significance (2). 1 of the submissions does not count toward it. Last evaluated 2024-12-24.

Conditions:
Epidermolysis bullosa dystrophica inversa, autosomal recessive. Identifiers: MedGen C2673612.
Transient bullous dermolysis of the newborn (TBDN). Also called: EPIDERMOLYSIS BULLOSA DYSTROPHICA, NEONATAL FORM; DYSTROPHIC EPIDERMOLYSIS BULLOSA, NEONATAL. Identifiers: Orphanet 79411, MedGen C1851573, MONDO:0007548, OMIM 131705.
Recessive dystrophic epidermolysis bullosa (RDEB). Also called: epidermolysis bullosa dystrophica, autosomal recessive; DYSTROPHIC EPIDERMOLYSIS BULLOSA, AUTOSOMAL RECESSIVE; EPIDERMOLYSIS BULLOSA DYSTROPHICA, HALLOPEAU-SIEMENS TYPE; severe generalized recessive dystrophic epidermolysis bullosa; EPIDERMOLYSIS BULLOSA DYSTROPHICA, GENERALIZED SEVERE, AUTOSOMAL RECESSIVE; Hallopeau-Siemens Disease. Identifiers: Orphanet 79408, Orphanet 79409, MedGen C0079474, MONDO:0009179, OMIM 226600.
Epidermolysis bullosa pruriginosa. Also called: DEB, PRURIGINOSA; DYSTROPHIC EPIDERMOLYSIS BULLOSA PRURIGINOSA. Identifiers: Orphanet 89843, MedGen C1275114, MONDO:0011398, OMIM 604129.
Pretibial dystrophic epidermolysis bullosa. Also called: EPIDERMOLYSIS BULLOSA DYSTROPHICA, PRETIBIAL; Pretibial blistering; Pretibial epidermolysis bullosa. Identifiers: Orphanet 79410, MedGen C0432321, MONDO:0007552, OMIM 131850, HP:0012221.
Dominant dystrophic epidermolysis bullosa with absence of skin. Also called: EPIDERMOLYSIS BULLOSA WITH CONGENITAL LOCALIZED ABSENCE OF SKIN AND DEFORMITY OF NAILS; EPIDERMOLYSIS BULLOSA DYSTROPHICA, BART TYPE. Identifiers: MedGen C0268371, MONDO:0007557, OMIM 132000.
Generalized dominant dystrophic epidermolysis bullosa (DDEB). Also called: DDEB, generalized; DDEB-gen; DYSTROPHIC EPIDERMOLYSIS BULLOSA, AUTOSOMAL DOMINANT; Epidermolysis bullosa dystrophica, autosomal dominant; Dominant DEB (DDEB). Identifiers: Orphanet 231568, MedGen C0432322, MONDO:0007549, OMIM 131750.
Nonsyndromic congenital nail disorder 8. Also called: TOENAIL DYSTROPHY, ISOLATED. Identifiers: MedGen C1843761, MONDO:0011852, OMIM 607523.

Allele frequency attached by ClinVar (database versions not stated): gnomAD 0.00001; ExAC 0.00002; gnomAD exomes 0.00002; TOPMed 0.00002.
gnomAD v4.1: 25 of 1,599,144 alleles (0.0016%); highest among the groups gnomAD compares: East Asian, 0.0023%; no homozygotes.

Submissions (3):

Labcorp Genetics (formerly Invitae), Labcorp
Classification: Uncertain significance. Last evaluated: 2024-12-24. Review status: criteria provided, single submitter. Criteria: Invitae Variant Classification Sherloc (09022015). Collection method: clinical testing. Allele origin: germline.
Comment: This sequence change replaces proline, which is neutral and non-polar, with leucine, which is neutral and non-polar, at codon 2445 of the COL7A1 protein (p.Pro2445Leu). The frequency data for this variant in the population databases is considered unreliable, as metrics indicate poor data quality at this position in the gnomAD database. This variant has not been reported in the literature in individuals affected with COL7A1-related conditions. ClinVar contains an entry for this variant (Variation ID: 990822). An algorithm developed to predict the effect of missense changes on protein structure and function outputs the following: PolyPhen-2: "Possibly Damaging". The leucine amino acid residue is found in multiple mammalian species, which suggests that this missense change does not adversely affect protein function. In summary, the available evidence is currently insufficient to determine the role of this variant in disease. Therefore, it has been classified as a Variant of Uncertain Significance.

Fulgent Genetics
Classification: Uncertain significance for Transient bullous dermolysis of the newborn; Generalized dominant dystrophic epidermolysis bullosa; Pretibial dystrophic epidermolysis bullosa; Dominant dystrophic epidermolysis bullosa with absence of skin; Recessive dystrophic epidermolysis bullosa; Epidermolysis bullosa pruriginosa; Nonsyndromic congenital nail disorder 8. Last evaluated: 2022-01-18. Review status: criteria provided, single submitter. Criteria: ACMG Guidelines, 2015. Collection method: clinical testing. Allele origin: unknown.

Natera, Inc.
Classification: Uncertain significance for Autosomal recessive epidermolysis bullosa dystrophica inversa. Last evaluated: 2020-09-06. Review status: no assertion criteria provided. Collection method: clinical testing. Allele origin: germline. Not counted in ClinVar's aggregate classification.